The following is an entry in ClinVar:

ClinVar aggregate classification (germline): Uncertain significance (1 of 4 stars; one submission).

Allele frequency attached by ClinVar (database versions not stated): gnomAD 0.00002; TOPMed 0.00002.
gnomAD v4.1: 47 of 1,614,016 alleles (0.0029%); highest among the groups gnomAD compares: Non-Finnish European, 0.0036%; no homozygotes.

Submission:

Labcorp Genetics (formerly Invitae), Labcorp
Classification: Uncertain significance. Last evaluated: 2022-01-07. Review status: criteria provided, single submitter. Criteria: Invitae Variant Classification Sherloc (09022015). Collection method: clinical testing. Allele origin: germline.
Comment: In summary, the available evidence is currently insufficient to determine the role of this variant in disease. Therefore, it has been classified as a Variant of Uncertain Significance. Algorithms developed to predict the effect of missense changes on protein structure and function are either unavailable or do not agree on the potential impact of this missense change (SIFT: "Not Available"; PolyPhen-2: "Probably Damaging"; Align-GVGD: "Not Available"). This variant has not been reported in the literature in individuals affected with ANK3-related conditions. This variant is present in population databases (rs758299609, gnomAD 0.006%). This sequence change replaces alanine, which is neutral and non-polar, with threonine, which is neutral and polar, at codon 671 of the ANK3 protein (p.Ala671Thr).

NM_020987.5(ANK3):c.2011G>A (p.Ala671Thr)

Gene: ANK3 (ankyrin 3; minus strand). Cytogenetic location: 10q21.2.
Variant type: single nucleotide variant.
Coding change: c.2011G>A on transcript NM_020987.5 (MANE Select); coding-DNA position 2011, G replaced by A.
Protein change: p.Ala671Thr; replaces alanine 671 with threonine.
Molecular consequence: missense variant.
Genome position (GRCh38, 1-based): chr10:60,186,789, C>T on the plus strand (G>A on the coding strand, the complement: ANK3 is on the minus strand). VCF-style: chr10-60186789-C-T. GRCh37 (hg19) VCF-style: chr10-61946547-C-T.
Other names: c.1993G>A, p.Ala665Thr (NM_001204403.2); c.1960G>A, p.Ala654Thr (NM_001204404.2); c.2011G>A, p.Ala671Thr (NM_001320874.2); short protein forms A654T, A665T, A671T.
Identifiers: ClinVar variation 1916524 (VCV001916524.5), dbSNP rs758299609, ClinGen allele CA5512967.